The following is an entry in ClinVar:

NM_194323.3(OTOF):c.3631A>T (p.Met1211Leu)

Gene: OTOF (otoferlin; minus strand). Cytogenetic location: 2p23.3.
Variant type: single nucleotide variant.
Coding change: c.3631A>T on transcript NM_194323.3 (MANE Plus Clinical); coding-DNA position 3631, A replaced by T.
Protein change: p.Met1211Leu; replaces methionine 1211 with leucine.
Molecular consequence: missense variant. On other transcripts: 3 prime UTR variant (3).
Genome position (GRCh38, 1-based): chr2:26,458,102, T>A on the plus strand (A>T on the coding strand, the complement: OTOF is on the minus strand). VCF-style: chr2-26458102-T-A. GRCh37 (hg19) VCF-style: chr2-26680970-T-A.
Other names: c.5932A>T, p.Met1978Leu (NM_001287489.2); c.*136A>T (NM_004802.4, NM_194248.3, NM_194322.3); short protein forms M1211L, M1978L.
Identifiers: ClinVar variation 1355112 (VCV001355112.6), dbSNP rs1482726409, ClinGen allele CA346125256.

ClinVar aggregate classification (germline): Uncertain significance (1 of 4 stars; one submission).

Submission:

Labcorp Genetics (formerly Invitae), Labcorp
Classification: Uncertain significance. Last evaluated: 2021-06-01. Review status: criteria provided, single submitter. Criteria: Invitae Variant Classification Sherloc (09022015). Collection method: clinical testing. Allele origin: germline.
Comment: This sequence change replaces methionine with leucine at codon 1211 of the OTOF protein (p.Met1211Leu). The OTOF gene has multiple clinically relevant transcripts. This variant occurs in alternate transcript NM_194323.2, and corresponds to NM_194248.2:c.*136A>T in the primary transcript. This variant is not present in population databases (ExAC no frequency). This variant has not been reported in the literature in individuals with OTOF-related conditions. Experimental studies and prediction algorithms are not available or were not evaluated, and the functional significance of this variant is currently unknown. In summary, the available evidence is currently insufficient to determine the role of this variant in disease. Therefore, it has been classified as a Variant of Uncertain Significance.